The following is an entry in ClinVar:

NM_000093.5(COL5A1):c.3595G>C (p.Glu1199Gln)

Gene: COL5A1 (collagen type V alpha 1 chain; plus strand). Cytogenetic location: 9q34.3.
Variant type: single nucleotide variant.
Coding change: c.3595G>C on transcript NM_000093.5 (MANE Select); coding-DNA position 3595, G replaced by C.
Protein change: p.Glu1199Gln; replaces glutamic acid 1199 with glutamine.
Molecular consequence: missense variant.
Genome position (GRCh38, 1-based): chr9:134,811,504, G>C. VCF-style: chr9-134811504-G-C. GRCh37 (hg19) VCF-style: chr9-137703350-G-C.
Other names: c.3595G>C, p.Glu1199Gln (NM_001278074.1); short protein forms E1199Q.
Identifiers: ClinVar variation 519657 (VCV000519657.26), dbSNP rs867211079, ClinGen allele CA375454040.
Genomic context (GRCh38, chr9:134,811,504, plus strand): 5'-TGCTGGCATTGCCAGCATCCTCACCCATGGCCGGTTATTTCCCTGCAGGGAGCTGACGGC[G>C]AGCCGGGGCCTCGGGGCCAGCAGGGCCTTTTCGGGCAGAAAGGTGATGAAGGTCCCAGAG-3'
Protein context (NP_000084.3, residues 1189-1209): GQPGPSGADG[Glu1199Gln]PGPRGQQGLF

ClinVar aggregate classification (germline): Uncertain significance. Review status: criteria provided, multiple submitters, no conflicts (2 of 4 stars). 2 submissions from 2 submitters: Uncertain significance (2). Last evaluated 2024-02-01.

Conditions:
Familial thoracic aortic aneurysm and aortic dissection (TAAD). Also called: Thoracic aortic aneurysms and dissections. Identifiers: Orphanet 91387, MedGen C4707243, MONDO:0019625.

gnomAD v4.1: 4 of 1,612,642 alleles (0.00025%); highest among the groups gnomAD compares: African/African-American, 0.0027%; no homozygotes.

Submissions (2):

CeGaT Center for Human Genetics Tuebingen
Classification: Uncertain significance. Last evaluated: 2024-02-01. Review status: criteria provided, single submitter. Criteria: CeGaT Center For Human Genetics Tuebingen Variant Classification Criteria Version 2. Collection method: clinical testing. Allele origin: germline. Affected: yes. Observed: 1 variant allele.
Comment: COL5A1: PM2

Ambry Genetics
Classification: Uncertain significance for Familial thoracic aortic aneurysm and aortic dissection. Last evaluated: 2017-09-06. Review status: criteria provided, single submitter. Criteria: Ambry Variant Classification Scheme 2023. Collection method: clinical testing. Allele origin: germline.
Comment: The p.E1199Q variant (also known as c.3595G>C), located in coding exon 46 of the COL5A1 gene, results from a G to C substitution at nucleotide position 3595. The glutamic acid at codon 1199 is replaced by glutamine, an amino acid with highly similar properties. This amino acid position is highly conserved in available vertebrate species. In addition, the in silico prediction for this alteration is inconclusive. Since supporting evidence is limited at this time, the clinical significance of this alteration remains unclear.